The following is an entry in ClinVar:

NM_001374504.1(TMPRSS6):c.837G>A (p.Ser279=)

Gene: TMPRSS6 (transmembrane serine protease 6; minus strand). Cytogenetic location: 22q12.3.
Variant type: single nucleotide variant.
Coding change: c.837G>A on transcript NM_001374504.1 (MANE Select); coding-DNA position 837, G replaced by A.
Protein change: p.Ser279=; no amino-acid change (serine 279 retained).
Molecular consequence: synonymous variant.
Genome position (GRCh38, 1-based): chr22:37,086,419, C>T on the plus strand (G>A on the coding strand, the complement: TMPRSS6 is on the minus strand). VCF-style: chr22-37086419-C-T. GRCh37 (hg19) VCF-style: chr22-37482459-C-T.
Other names: c.837G>A, p.Ser279= (NM_001289000.2, NM_001289001.2, NM_153609.4).
Identifiers: ClinVar variation 3458888 (VCV003458888.7).

ClinVar aggregate classification (germline): Likely benign. Review status: criteria provided, multiple submitters, no conflicts (2 of 4 stars). 2 submissions from 2 submitters: Likely benign (2). Last evaluated 2025-11-01.

Conditions:
Inborn genetic diseases. Identifiers: MedGen C0950123, MeSH D030342.

gnomAD v4.1: 15 of 1,579,208 alleles (0.00095%); highest among the groups gnomAD compares: Non-Finnish European, 0.0013%; no homozygotes.

Submissions (2):

CeGaT Center for Human Genetics Tuebingen
Classification: Likely benign. Last evaluated: 2025-11-01. Review status: criteria provided, single submitter. Criteria: CeGaT Center For Human Genetics Tuebingen Variant Classification Criteria Version 2. Collection method: clinical testing. Allele origin: germline. Affected: yes. Observed: 1 variant allele.
Comment: TMPRSS6: BP4, BP7

Ambry Genetics
Classification: Likely benign for Inborn genetic diseases. Last evaluated: 2024-07-27. Review status: criteria provided, single submitter. Criteria: Ambry Variant Classification Scheme 2023. Collection method: clinical testing. Allele origin: germline.